The following is an entry in ClinVar:

ClinVar aggregate classification (germline): Uncertain significance (1 of 4 stars; one submission).

gnomAD v4.1: 3 of 1,614,210 alleles (0.00019%); highest among the groups gnomAD compares: Non-Finnish European, 0.00025%; no homozygotes.

Submission:

Labcorp Genetics (formerly Invitae), Labcorp
Classification: Uncertain significance. Last evaluated: 2022-12-06. Review status: criteria provided, single submitter. Criteria: Invitae Variant Classification Sherloc (09022015). Collection method: clinical testing. Allele origin: germline.
Comment: ClinVar contains an entry for this variant (Variation ID: 1468096). This variant has not been reported in the literature in individuals affected with TUBA8-related conditions. This variant is not present in population databases (gnomAD no frequency). This sequence change replaces isoleucine, which is neutral and non-polar, with valine, which is neutral and non-polar, at codon 68 of the TUBA8 protein (p.Ile68Val). In summary, the available evidence is currently insufficient to determine the role of this variant in disease. Therefore, it has been classified as a Variant of Uncertain Significance. Algorithms developed to predict the effect of sequence changes on RNA splicing suggest that this variant may create or strengthen a splice site. Advanced modeling of protein sequence and biophysical properties (such as structural, functional, and spatial information, amino acid conservation, physicochemical variation, residue mobility, and thermodynamic stability) performed at Invitae indicates that this missense variant is not expected to disrupt TUBA8 protein function.

NM_018943.3(TUBA8):c.202A>G (p.Ile68Val)

Gene: TUBA8 (tubulin alpha 8; plus strand). Cytogenetic location: 22q11.21.
Variant type: single nucleotide variant.
Coding change: c.202A>G on transcript NM_018943.3 (MANE Select); coding-DNA position 202, A replaced by G.
Protein change: p.Ile68Val; replaces isoleucine 68 with valine.
Molecular consequence: missense variant.
Genome position (GRCh38, 1-based): chr22:18,121,677, A>G. VCF-style: chr22-18121677-A-G. GRCh37 (hg19) VCF-style: chr22-18604444-A-G.
Other names: c.4A>G, p.Ile2Val (NM_001193414.2); short protein forms I68V, I2V.
Identifiers: ClinVar variation 1468096 (VCV001468096.8), dbSNP rs776983625, ClinGen allele CA410261849.